The following is an entry in ClinVar:

ClinVar aggregate classification (germline): Uncertain significance. Review status: criteria provided, multiple submitters, no conflicts (2 of 4 stars). 2 submissions from 2 submitters: Uncertain significance (2). Last evaluated 2024-06-07.

Conditions:
Hereditary cancer-predisposing syndrome. Also called: Neoplastic Syndromes, Hereditary; Tumor predisposition; Hereditary neoplastic syndrome; Hereditary Cancer Syndrome. Identifiers: Orphanet 140162, MedGen C0027672, MeSH D009386, MONDO:0015356.
Breast-ovarian cancer, familial, susceptibility to, 4. Identifiers: Orphanet 145, MedGen C3280345, MONDO:0013669, OMIM 614291.

Allele frequency attached by ClinVar (database versions not stated): gnomAD exomes below 0.00001.
gnomAD v4.1: 1 of 1,613,072 alleles (0.000062%); highest among the groups gnomAD compares: African/African-American, 0.0013%; no homozygotes.

Submissions (2):

Ambry Genetics
Classification: Uncertain significance for Hereditary cancer-predisposing syndrome. Last evaluated: 2024-06-07. Review status: criteria provided, single submitter. Criteria: Ambry Variant Classification Scheme 2023. Collection method: clinical testing. Allele origin: germline.
Comment: The p.L323* variant (also known as c.968T>A), located in coding exon 10 of the RAD51D gene, results from a T to A substitution at nucleotide position 968. This changes the amino acid from a leucine to a stop codon within coding exon 10. This alteration occurs at the 3' terminus of RAD51D gene, is not expected to trigger nonsense-mediated mRNAdecay, and only impacts the last 1.8% of the protein. The exact functional effect of this alteration is unknown. Based on the available evidence, the clinical significance of this variant remains unclear.

Labcorp Genetics (formerly Invitae), Labcorp
Classification: Uncertain significance for Breast-ovarian cancer, familial, susceptibility to, 4. Last evaluated: 2022-12-21. Review status: criteria provided, single submitter. Criteria: Invitae Variant Classification Sherloc (09022015). Collection method: clinical testing. Allele origin: germline.
Comment: This sequence change creates a premature translational stop signal (p.Leu323*) in the RAD51D gene. While this is not anticipated to result in nonsense mediated decay, it is expected to disrupt the last 6 amino acid(s) of the RAD51D protein. In summary, the available evidence is currently insufficient to determine the role of this variant in disease. Therefore, it has been classified as a Variant of Uncertain Significance. Experimental studies and prediction algorithms are not available or were not evaluated, and the functional significance of this variant is currently unknown. ClinVar contains an entry for this variant (Variation ID: 1391074). This variant has not been reported in the literature in individuals affected with RAD51D-related conditions. This variant is not present in population databases (gnomAD no frequency).

NM_002878.4(RAD51D):c.968T>A (p.Leu323Ter)

Genes: RAD51D (RAD51 paralog D; minus strand), RAD51L3-RFFL (RAD51L3-RFFL readthrough; minus strand). Cytogenetic location: 17q12.
Variant type: single nucleotide variant.
Coding change: c.968T>A on transcript NM_002878.4 (MANE Select); coding-DNA position 968, T replaced by A.
Protein change: p.Leu323Ter; replaces leucine 323 with a stop codon.
Molecular consequence: nonsense. On other transcripts: non-coding transcript variant (2).
Genome position (GRCh38, 1-based): chr17:35,100,972, A>T on the plus strand (T>A on the coding strand, the complement: RAD51D is on the minus strand). VCF-style: chr17-35100972-A-T. GRCh37 (hg19) VCF-style: chr17-33427991-A-T.
Other names: c.1028T>A, p.Leu343Ter (NM_001142571.2); c.632T>A, p.Leu211Ter (NM_133629.3); c.968T>A (NM_002878.3); short protein forms L323*, L343*, L211*.
Identifiers: ClinVar variation 1391074 (VCV001391074.7), dbSNP rs2142408730, ClinGen allele CA399086063.